The following is an entry in ClinVar:

ClinVar aggregate classification (germline): Pathogenic. Review status: criteria provided, multiple submitters, no conflicts (2 of 4 stars). 2 submissions from 2 submitters: Pathogenic (2). Last evaluated 2026-07-14.

Conditions:
Tumor predisposition syndrome 2 (TPDS2). Also called: MBD4-ASSOCIATED NEOPLASIA SYNDROME; MBD4-Related Tumor Predisposition Syndrome; MBD4-associated neoplasia syndrome (MANS). Identifiers: Orphanet 661526, MedGen C5774186, MONDO:0859267, OMIM 619975.

gnomAD v4.1: 1 of 1,613,996 alleles (0.000062%); highest among the groups gnomAD compares: Non-Finnish European, 0.000085%; no homozygotes.

Submissions (2):

Myriad Genetics, Inc.
Classification: Pathogenic for Tumor predisposition syndrome 2. Last evaluated: 2026-07-14. Review status: criteria provided, single submitter. Criteria: Myriad Autosomal Dominant, Autosomal Recessive and X-Linked Classification Criteria (2023). Collection method: clinical testing. Allele origin: unknown.
Comment: This variant is considered pathogenic. This variant creates a termination codon and is predicted to result in premature protein truncation.

Labcorp Genetics (formerly Invitae), Labcorp
Classification: Pathogenic. Last evaluated: 2024-02-03. Review status: criteria provided, single submitter. Criteria: Invitae Variant Classification Sherloc (09022015). Collection method: clinical testing. Allele origin: germline.
Comment: This sequence change creates a premature translational stop signal (p.Tyr422*) in the MBD4 gene. It is expected to result in an absent or disrupted protein product. Loss-of-function variants in MBD4 are known to be pathogenic (PMID: 30049810, 35460607). This variant is not present in population databases (gnomAD no frequency). This variant has not been reported in the literature in individuals affected with MBD4-related conditions. For these reasons, this variant has been classified as Pathogenic.

Literature cited by the submitters: PubMed 30049810 (cited by Labcorp Genetics (formerly Invitae), Labcorp); PubMed 35460607 (cited by Labcorp Genetics (formerly Invitae), Labcorp).

NM_001276270.2(MBD4):c.1248T>A (p.Tyr416Ter)

Gene: MBD4 (methyl-CpG binding domain 4, DNA glycosylase; minus strand). Cytogenetic location: 3q21.3.
Variant type: single nucleotide variant.
Coding change: c.1248T>A on transcript NM_001276270.2 (MANE Select); coding-DNA position 1248, T replaced by A.
Protein change: p.Tyr416Ter; replaces tyrosine 416 with a stop codon.
Molecular consequence: nonsense.
Genome position (GRCh38, 1-based): chr3:129,434,072, A>T on the plus strand (T>A on the coding strand, the complement: MBD4 is on the minus strand). VCF-style: chr3-129434072-A-T. GRCh37 (hg19) VCF-style: chr3-129152915-A-T.
Other names: c.1266T>A, p.Tyr422Ter (NM_001276271.2, NM_001276272.2, NM_003925.3); c.312T>A, p.Tyr104Ter (NM_001276273.2); short protein forms Y416*, Y422*, Y104*.
Identifiers: ClinVar variation 3638594 (VCV003638594.3).